The following is an entry in ClinVar:

NM_002637.4(PHKA1):c.2847_2848del (p.Pro951fs)

Gene: PHKA1 (phosphorylase kinase regulatory subunit alpha 1; minus strand). Cytogenetic location: Xq13.1.
Variant type: Deletion.
Coding change: c.2847_2848del on transcript NM_002637.4 (MANE Select); coding-DNA positions 2847 to 2848, 2 bases deleted (CA; older notation c.2847_2848delCA).
Protein change: p.Pro951fs; shifts the reading frame from proline 951.
Molecular consequence: frameshift variant.
Genome position (GRCh38, 1-based): chrX:72,603,188-72,603,189, TG deleted on the plus strand (CA on the coding strand, the reverse complement: PHKA1 is on the minus strand). VCF-style (leftmost placement, unchanged base first): chrX-72603187-CTG-C. GRCh37 (hg19) VCF-style: chrX-71823037-CTG-C.
Other names: c.2847_2848del, p.Pro951fs (NM_001122670.2, NM_001431068.1); c.2670_2671del, p.Pro892fs (NM_001172436.2); short protein forms P892fs, P951fs.
Identifiers: ClinVar variation 3721392 (VCV003721392.2).

ClinVar aggregate classification (germline): Pathogenic (1 of 4 stars; one submission).

Conditions:
Glycogen storage disease IXd (GSD9D). Also called: GSD IXd; Muscle Phosphorylase Kinase Deficiency. Identifiers: Orphanet 715, MedGen C1845151, MONDO:0010362, OMIM 300559.

Submission:

Labcorp Genetics (formerly Invitae), Labcorp
Classification: Pathogenic for Glycogen storage disease IXd. Last evaluated: 2024-11-17. Review status: criteria provided, single submitter. Criteria: Invitae Variant Classification Sherloc (09022015). Collection method: clinical testing. Allele origin: germline.
Comment: This sequence change creates a premature translational stop signal (p.Pro951Phefs*26) in the PHKA1 gene. It is expected to result in an absent or disrupted protein product. Loss-of-function variants in PHKA1 are known to be pathogenic (PMID: 9731190, 15637709). This variant is not present in population databases (gnomAD no frequency). This variant has not been reported in the literature in individuals affected with PHKA1-related conditions. For these reasons, this variant has been classified as Pathogenic.

Literature cited by the submitters: PubMed 9731190; PubMed 15637709.